The following is an entry in ClinVar:

NM_001458.5(FLNC):c.1911G>T (p.Glu637Asp)

Gene: FLNC (filamin C; plus strand). Cytogenetic location: 7q32.1.
Variant type: single nucleotide variant.
Coding change: c.1911G>T on transcript NM_001458.5 (MANE Select); coding-DNA position 1911, G replaced by T.
Protein change: p.Glu637Asp; replaces glutamic acid 637 with aspartic acid.
Molecular consequence: missense variant.
Genome position (GRCh38, 1-based): chr7:128,841,267, G>T. VCF-style: chr7-128841267-G-T. GRCh37 (hg19) VCF-style: chr7-128481321-G-T.
Other names: c.1911G>T, p.Glu637Asp (NM_001127487.2); short protein forms E637D.
Identifiers: ClinVar variation 3375325 (VCV003375325.2).
Genomic context (GRCh38, chr7:128,841,267, plus strand): 5'-ATGTGACGACAAGGGGGATGGCTCCTGCGATGTGCGGTACTGGCCCACGGAGCCTGGGGA[G>T]TACGCTGTGCACGTCATCTGTGACGATGAGGACATCCGAGACTCACCCTTCATTGCCCAC-3'
Protein context (NP_001449.3, residues 627-647): DVRYWPTEPG[Glu637Asp]YAVHVICDDE

ClinVar aggregate classification (germline): Uncertain significance. Review status: criteria provided, multiple submitters, no conflicts (2 of 4 stars). 2 submissions from 2 submitters: Uncertain significance (2). Last evaluated 2025-02-20.

Conditions:
Myofibrillar myopathy 5. Also called: Filaminopathy (type); FILAMINOPATHY, AUTOSOMAL DOMINANT. Identifiers: Orphanet 171445, MedGen C1836050, MONDO:0012289, OMIM 609524.
Distal myopathy with posterior leg and anterior hand involvement. Also called: WILLIAMS DISTAL MYOPATHY. Identifiers: Orphanet 63273, MedGen C3279722, MONDO:0013550, OMIM 614065.
Hypertrophic cardiomyopathy 26. Also called: Cardiomyopathy, familial hypertrophic, 26. Identifiers: Orphanet 75249, MedGen C4310749, MONDO:0014883, OMIM 617047.

Submissions (2):

Labcorp Genetics (formerly Invitae), Labcorp
Classification: Uncertain significance for Distal myopathy with posterior leg and anterior hand involvement; Myofibrillar myopathy 5; Hypertrophic cardiomyopathy 26. Last evaluated: 2025-02-20. Review status: criteria provided, single submitter. Criteria: Invitae Variant Classification Sherloc (09022015). Collection method: clinical testing. Allele origin: germline.
Comment: This sequence change replaces glutamic acid, which is acidic and polar, with aspartic acid, which is acidic and polar, at codon 637 of the FLNC protein (p.Glu637Asp). This variant is not present in population databases (gnomAD no frequency). This variant has not been reported in the literature in individuals affected with FLNC-related conditions. ClinVar contains an entry for this variant (Variation ID: 3375325). Invitae Evidence Modeling of protein sequence and biophysical properties (such as structural, functional, and spatial information, amino acid conservation, physicochemical variation, residue mobility, and thermodynamic stability) has been performed for this missense variant. However, the output from this modeling did not meet the statistical confidence thresholds required to predict the impact of this variant on FLNC protein function. In summary, the available evidence is currently insufficient to determine the role of this variant in disease. Therefore, it has been classified as a Variant of Uncertain Significance.

Women's Health and Genetics/Laboratory Corporation of America, LabCorp
Classification: Uncertain significance. Last evaluated: 2024-09-22. Review status: criteria provided, single submitter. Criteria: LabCorp Variant Classification Summary - May 2015. Collection method: clinical testing. Allele origin: germline.